The following is an entry in ClinVar:

ClinVar aggregate classification (germline): Uncertain significance (1 of 4 stars; one submission).

Conditions:
Encephalopathy, acute, infection-induced (herpes-specific), susceptibility to, 1. Also called: Herpes simplex encephalitis, susceptibility to, 1. Identifiers: Orphanet 1930, MedGen C2750180, MONDO:0024563, OMIM 610551.

Allele frequency attached by ClinVar (database versions not stated): gnomAD exomes 0.00001 and below 0.00001; TOPMed below 0.00001.

Submission:

Labcorp Genetics (formerly Invitae), Labcorp
Classification: Uncertain significance for Encephalopathy, acute, infection-induced (herpes-specific), susceptibility to, 1. Last evaluated: 2020-01-28. Review status: criteria provided, single submitter. Criteria: Invitae Variant Classification Sherloc (09022015). Collection method: clinical testing. Allele origin: germline.
Comment: This sequence change replaces arginine with glutamine at codon 374 of the UNC93B1 protein (p.Arg374Gln). The arginine residue is weakly conserved and there is a small physicochemical difference between arginine and glutamine. In summary, the available evidence is currently insufficient to determine the role of this variant in disease. Therefore, it has been classified as a Variant of Uncertain Significance. Algorithms developed to predict the effect of missense changes on protein structure and function output the following: SIFT: "Tolerated"; PolyPhen-2: "Benign"; Align-GVGD: "Not Available". The glutamine amino acid residue is found in multiple mammalian species, suggesting that this missense change does not adversely affect protein function. These predictions have not been confirmed by published functional studies and their clinical significance is uncertain. This variant has not been reported in the literature in individuals with UNC93B1-related disease. The frequency data for this variant in the population databases is considered unreliable, as metrics indicate insufficient coverage at this position in the ExAC database.

NM_030930.4(UNC93B1):c.1121G>A (p.Arg374Gln)

Gene: UNC93B1 (unc-93B1 regulator of TLR signaling; minus strand). Cytogenetic location: 11q13.2.
Variant type: single nucleotide variant.
Coding change: c.1121G>A on transcript NM_030930.4 (MANE Select); coding-DNA position 1121, G replaced by A.
Protein change: p.Arg374Gln; replaces arginine 374 with glutamine.
Molecular consequence: missense variant.
Genome position (GRCh38, 1-based): chr11:67,995,853, C>T on the plus strand (G>A on the coding strand, the complement: UNC93B1 is on the minus strand). VCF-style: chr11-67995853-C-T. GRCh37 (hg19) VCF-style: chr11-67763324-C-T.
Other names: short protein forms R374Q.
Identifiers: ClinVar variation 642175 (VCV000642175.5), dbSNP rs1346342774, ClinGen allele CA381571115.